The following is an entry in ClinVar:

ClinVar aggregate classification (germline): Likely benign. Review status: criteria provided, multiple submitters, no conflicts (2 of 4 stars). 5 submissions from 5 submitters: Likely benign (5). Last evaluated 2024-10-21.

Conditions:
Cardiomyopathy (CMYO). Also called: Cardiomyopathies. Identifiers: Orphanet 167848, MedGen C0878544, MONDO:0004994, HP:0001638. Inheritance: Various modes of inheritance.
Hypertrophic cardiomyopathy. Also called: HYPERTROPHIC MYOCARDIOPATHY. Identifiers: Orphanet 217569, MedGen C0007194, MeSH D002312, MONDO:0005045, HP:0001639.
Cardiovascular phenotype. Identifiers: MedGen CN230736.

Allele frequency attached by ClinVar (database versions not stated): TOPMed below 0.00001; gnomAD 0.00001; gnomAD exomes 0.00001; ExAC 0.00002.
gnomAD v4.1: 13 of 1,613,856 alleles (0.00081%); highest among the groups gnomAD compares: South Asian, 0.0033%; no homozygotes.

Submissions (5):

Ambry Genetics
Classification: Likely benign for Cardiovascular phenotype. Last evaluated: 2024-10-21. Review status: criteria provided, single submitter. Criteria: Ambry Variant Classification Scheme 2023. Collection method: clinical testing. Allele origin: germline.

All of Us Research Program, National Institutes of Health
Classification: Likely benign for Cardiomyopathy. Last evaluated: 2023-05-16. Review status: criteria provided, single submitter. Criteria: ACMG Guidelines, 2015. Collection method: clinical testing. Allele origin: germline. Inheritance: Autosomal dominant inheritance. Observed: 1 variant allele, 1 heterozygote.
Comment: This study involves interpretation of variants in research participants for the purpose of population health screening. Participant phenotype was not available at the time of variant classification. Additional details can be found in publication PMID: 35346344, PMCID: PMC8962531

Labcorp Genetics (formerly Invitae), Labcorp
Classification: Likely benign for Hypertrophic cardiomyopathy. Last evaluated: 2023-03-08. Review status: criteria provided, single submitter. Criteria: Invitae Variant Classification Sherloc (09022015). Collection method: clinical testing. Allele origin: germline.

CeGaT Center for Human Genetics Tuebingen
Classification: Likely benign. Last evaluated: 2022-06-01. Review status: criteria provided, single submitter. Criteria: CeGaT Center For Human Genetics Tuebingen Variant Classification Criteria Version 2. Collection method: clinical testing. Allele origin: germline. Affected: yes. Observed: 1 variant allele.
Comment: MYH7: BP4, BP7

Color Diagnostics, LLC DBA Color Health
Classification: Likely benign for Cardiomyopathy. Last evaluated: 2019-03-11. Review status: criteria provided, single submitter. Criteria: ACMG Guidelines, 2015. Collection method: clinical testing. Allele origin: germline.

NM_000257.4(MYH7):c.3171C>T (p.Gly1057=)

Gene: MYH7 (myosin heavy chain 7; minus strand). Cytogenetic location: 14q11.2.
Variant type: single nucleotide variant.
Coding change: c.3171C>T on transcript NM_000257.4 (MANE Select); coding-DNA position 3171, C replaced by T.
Protein change: p.Gly1057=; no amino-acid change (glycine 1057 retained).
Molecular consequence: synonymous variant.
Genome position (GRCh38, 1-based): chr14:23,422,254, G>A on the plus strand (C>T on the coding strand, the complement: MYH7 is on the minus strand). VCF-style: chr14-23422254-G-A. GRCh37 (hg19) VCF-style: chr14-23891463-G-A.
Identifiers: ClinVar variation 925206 (VCV000925206.44), dbSNP rs758822596, ClinGen allele CA036041.